The following is an entry in ClinVar:

ClinVar aggregate classification (germline): Conflicting classifications of pathogenicity. Review status: criteria provided, conflicting classifications (1 of 4 stars). 21 submissions from 21 submitters: Pathogenic (1); Uncertain significance (9); Benign (2); Likely benign (3). 6 of the submissions do not count toward it. Last evaluated 2026-08-01.
ClinVar aggregate classification (oncogenicity): Uncertain significance (1 of 4 stars; one submission).

Conditions:
FANCL-related disorder. Also called: FANCL-related condition.
Hereditary cancer. Identifiers: MedGen C1333600.
Fanconi anemia (FA). Also called: Fanconi's anemia. Identifiers: Orphanet 84, MedGen C0015625, MeSH D005199, MONDO:0019391.
Fanconi anemia complementation group L (FANCL). Also called: FANCL-Related Fanconi Anemia. Identifiers: Orphanet 84, MedGen C3469528, MONDO:0013566, OMIM 614083.
Neoplasm. Also called: tumor; Neoplasms; Neoplasm (disease). Identifiers: MedGen C0027651, MeSH D009369, MONDO:0005070, HP:0002664.

Submissions 1 to 13 of 22:

CeGaT Center for Human Genetics Tuebingen
Classification: Likely benign. Last evaluated: 2026-08-01. Review status: criteria provided, single submitter. Criteria: CeGaT Center For Human Genetics Tuebingen Variant Classification Criteria Version 2. Collection method: clinical testing. Allele origin: germline. Affected: yes. Observed: 39 variant alleles.
Comment: VRK2: BS2; FANCL: BS2

PreventionGenetics, part of Exact Sciences
Classification: Uncertain significance for FANCL-related condition. Last evaluated: 2026-02-03. Review status: criteria provided, single submitter. Criteria: ACMG Guidelines, 2015. Collection method: clinical testing. Allele origin: germline.
Comment: The FANCL c.1111_1114dupATTA variant is predicted to result in a frameshift and premature protein termination (p.Thr372Asnfs*13). In the literature, this variant is also referred to as c.1095_1908dupAATT (p.Thr367Asnfs*13) and c.1111_1114dup p.(Thr372Asnfs*13).This variant has been reported in the heterozygous state in an individual with esophageal squamous cell carcinoma (ESCC) and a family history of ESCC (Patient P28266, Akbari et al. 2011. PubMed ID: 21279724) and in an individual with ovarian cancer (Patient ID 13-285, Bonache et al. 2018. PubMed ID: 30306255). This variant was also identified in several individuals in a study of variants in Fanconi anemia genes in hereditary cancer patients, however this study considered the cancer risk cancer for monoallelic carriers of this variant to be limited (Supplementary Tables, Del Valle et al. 2020. PubMed ID: 32235514). In a study of individuals with primary ovarian insufficiency, this variant was found in the homozygous and heterozygous states in individuals with no clinical features of Fanconi anemia and this variant was thought to be unlikely causative of the ovarian phenotype in these individuals (Table 3, POI-24 and POI-44, Franca et al. 2020 PubMedID: 33095795). This variant was also reported in a cohort of Fanconi anemia patients and another cohort of hereditary breast and ovarian cancer patients, however this variant was reported to be co-inherited with variants in other genes (Supplementary Tables 3 and 4, Chandrasekharappa et al. 2017. PubMed ID: 28678401; Supplementary Table 3, Tedaldi et al. 2017. PubMed ID: 28423363). This variant is reported in 0.68% of alleles in individuals of Ashkenazi Jewish descent in gnomAD and has conflicting interpretations regarding its pathogenicity in ClinVar, ranging from pathogenic to uncertain significance to likely benign to benign (Variation ID: 210988). While this variant may be benign, at this time, the clinical significance of this variant is uncertain due to the absence of conclusive functional and genetic evidence.

Labcorp Genetics (formerly Invitae), Labcorp
Classification: Benign for Fanconi anemia. Last evaluated: 2026-02-01. Review status: criteria provided, single submitter. Criteria: Invitae Variant Classification Sherloc (09022015). Collection method: clinical testing. Allele origin: germline.

Center for Genomic Medicine, Rigshospitalet, Copenhagen University Hospital
Classification: Uncertain significance. Last evaluated: 2025-12-29. Review status: criteria provided, single submitter. Criteria: ACMG Guidelines, 2015. Collection method: clinical testing. Allele origin: germline.

Center for Genomic Medicine, Rigshospitalet, Copenhagen University Hospital
Classification: Uncertain significance for Neoplasm. Last evaluated: 2025-12-29. Review status: criteria provided, single submitter. Criteria: ClinGen/CGC/VICC Guidelines for Oncogenicity, 2022. Collection method: clinical testing. Allele origin: somatic. Affected: yes.

Dasa
Classification: Uncertain significance. Last evaluated: 2025-11-30. Review status: criteria provided, single submitter. Criteria: DASA Assertion Criteria. Collection method: clinical testing. Allele origin: germline.
Comment: NM_018062.4(FANCL):c.1096_1099dup (p.Thr367AsnfsTer13) is a frameshift variant in FANCL predicted to alter the reading frame and introduce a premature termination codon and is predicted to result in an absent or altered protein product. This classification is supported by population frequency inconsistent with a disease-causing role. The currently available literature and clinical evidence are not sufficient to establish a definitive association between this variant and the reported condition. Therefore, this variant is classified as a variant of uncertain significance.

Revvity Omics, Revvity
Classification: Uncertain significance for Fanconi anemia complementation group L. Last evaluated: 2025-08-12. Review status: criteria provided, single submitter. Criteria: ACMG Guidelines, 2015. Collection method: clinical testing. Allele origin: germline.

Mendelics
Classification: Likely benign for Hereditary cancer. Last evaluated: 2025-02-27. Review status: criteria provided, single submitter. Criteria: ACMG Guidelines, 2015. Collection method: clinical testing. Allele origin: unknown.
Comment: This variant is considered likely benign or benign based on one or more of the following: it is predicted to be benign by multiple in silico algorithms, and/or has population frequency not consistent with disease, and/or has normal protein function, and/or has lack of segregation with disease, and/or has been detected in co-occurrence with known pathogenic variant, and/or has lack of disease association in case-control studies, and/or is located in a region inconsistent with a known cause of pathogenicity.

GeneDx
Classification: Uncertain significance. Last evaluated: 2023-08-01. Review status: criteria provided, single submitter. Criteria: GeneDx Variant Classification Process June 2021. Collection method: clinical testing. Allele origin: germline. Affected: yes.
Comment: Observed in the heterozygous state, sometimes using alternate nomenclature (c.1095_1098dupAATT, c.1094_1095insAATT, or c.1100_1100C>ATTAC), in multiple individuals with cancer, including breast cancer, head and neck squamous cell carcinoma, childhood-onset solid tumors, and lung adenocarcinoma (Akbari et al., 2011; Ellingson et al., 2015; Lhota et al., 2016; Parsons et al., 2016; Tedaldi et al., 2017; Chandrasekharappa et al., 2017; Ghazani et al., 2017); Frameshift variant predicted to result in protein truncation as the last 9 amino acids are replaced with 12 different amino acids, although loss-of-function variants have not been reported downstream of this position in the protein; This variant is associated with the following publications: (PMID: 19405097, 27506598, 26822237, 28125075, 26822949, 27659787, 28423363, 28678401, 26296701, 30306255, 32235514, 27153395, 33504652, 34585473, 35929646, 21279724, 36268089, 34308104, 36135330)

Daryl Scott Lab, Baylor College of Medicine
Classification: Uncertain significance for Fanconi anemia complementation group L. Last evaluated: 2022-08-22. Review status: criteria provided, single submitter. Criteria: ACMG Guidelines, 2015. Collection method: clinical testing. Allele origin: maternal. Observed: 1 variant allele, 1 heterozygote.

Women's Health and Genetics/Laboratory Corporation of America, LabCorp
Classification: Benign. Last evaluated: 2022-02-22. Review status: criteria provided, single submitter. Criteria: LabCorp Variant Classification Summary - May 2015. Collection method: clinical testing. Allele origin: germline.
Comment: Variant summary: FANCL c.1096_1099dupATTA (p.Thr367AsnfsX13) causes a frameshift which results in an extension of the protein. The variant allele was found at a frequency of 0.003 in 249062 control chromosomes in the gnomAD database, including 4 homozygotes. Truncations downstream of this variant have not been observed at our laboratory and not reported in association with Fanconi Anemia in the HGMD/LOVD database. The observed variant frequency is approximately 11 fold of the estimated maximal expected allele frequency for a pathogenic variant in FANCL causing Fanconi Anemia phenotype (0.00028), strongly suggesting that the variant is benign. Although widely reported in the literature, to our knowledge, no penetrant association of c.1096_1099dupATTA in individuals affected with Fanconi Anemia and no supporting experimental evidence demonstrating its impact on protein function have been reported. Nine clinical diagnostic laboratories have submitted clinical-significance assessments for this variant to ClinVar after 2014 without evidence for independent evaluation. Multiple laboratories reported the variant with conflicting assessments and one submitter reporting a pathogenic classification has since re-classified it internally as Benign (Benign, n=2; VUS, n=6). Based on the evidence outlined above, the variant was classified as benign.

Institute for Clinical Genetics, University Hospital TU Dresden, University Hospital TU Dresden
Classification: Uncertain significance. Last evaluated: 2021-11-03. Review status: criteria provided, single submitter. Criteria: ACMG Guidelines, 2015. Collection method: clinical testing. Allele origin: germline.

Sema4
Classification: Likely benign for Fanconi anemia. Last evaluated: 2021-06-04. Review status: criteria provided, single submitter. Criteria: Sema4 Curation Guidelines. Collection method: curation. Allele origin: germline.

NM_006296.7(VRK2):c.*102_*105dup

Genes: FANCL (FA complementation group L; minus strand), VRK2 (VRK serine/threonine kinase 2; plus strand). Cytogenetic location: 2p16.1.
Variant type: Duplication.
Coding change: c.*102_*105dup on transcript NM_006296.7 (MANE Select); 102 bases downstream of the stop codon through 105 bases downstream of the stop codon, 4 bases duplicated (AATT; older notation c.*102_*105dupAATT).
Molecular consequence: 3 prime UTR variant. On other transcripts: frameshift variant (5).
Genome position (GRCh38, 1-based): chr2:58,159,795-58,159,798, AATT duplicated; duplicating any 4 consecutive bases within chr2:58,159,794-58,159,798 gives the same sequence; the c. name uses the placement nearest the transcript's 3' end. VCF-style (leftmost placement, unchanged base first): chr2-58159793-G-GTAAT. GRCh37 (hg19) VCF-style: chr2-58386928-G-GTAAT.
Other names: c.1110_1113dup, p.Thr372Asnfs (NM_001114636.2); c.1141_1144dup, p.Thr382fs (NM_001374615.1); c.1156_1159dup, p.Thr387fs (NM_001410792.1); c.1096_1099dup, p.Thr367fs (NM_018062.4); c.*102_*105dup (NM_001130480.2, NM_001130481.2, NM_001130482.2 and 3 more transcripts); c.*487_*490dup (NM_001130483.2, NM_001288838.2); c.1096_1099dupATTA (NM_018062.4, NM_018062.3); short protein forms T372fs, T367fs, T382fs, T387fs.
Identifiers: ClinVar variation 210988 (VCV000210988.89), dbSNP rs759217526, ClinGen allele CA277050.